The following is an entry in ClinVar:

NM_001256864.2(DNAJC6):c.224A>G (p.Tyr75Cys)

Gene: DNAJC6 (DnaJ heat shock protein family (Hsp40) member C6; plus strand). Cytogenetic location: 1p31.3.
Variant type: single nucleotide variant.
Coding change: c.224A>G on transcript NM_001256864.2 (MANE Select); coding-DNA position 224, A replaced by G.
Protein change: p.Tyr75Cys; replaces tyrosine 75 with cysteine.
Molecular consequence: missense variant.
Genome position (GRCh38, 1-based): chr1:65,364,665, A>G. VCF-style: chr1-65364665-A-G. GRCh37 (hg19) VCF-style: chr1-65830348-A-G.
Other names: c.14A>G, p.Tyr5Cys (NM_001256865.2); c.53A>G, p.Tyr18Cys (NM_014787.4); short protein forms Y18C, Y75C, Y5C.
Identifiers: ClinVar variation 1364685 (VCV001364685.6), dbSNP rs1394529150, ClinGen allele CA340672733.
Genomic context (GRCh38, chr1:65,364,665, plus strand): 5'-TGTTTGTTTGTTTTTTTTTTTTTTTGGCAGGTGCCTCATCTCCAGACATGGAGCCCAGCT[A>G]TGGGGGAGGTCTCTTTGACATGGTAAAAGGAGGTGCAGGGAGGCTCTTTAGTAACCTAAA-3'
Protein context (NP_001243793.1, residues 65-85): GASSPDMEPS[Tyr75Cys]GGGLFDMVKG

ClinVar aggregate classification (germline): Uncertain significance (1 of 4 stars; one submission).

Conditions:
Juvenile onset Parkinson disease 19A. Also called: PARK19; DNAJC6 Parkinson Disease. Identifiers: Orphanet 391411, MedGen C3809811, MONDO:0014231, OMIM 615528.

Allele frequency attached by ClinVar (database versions not stated): gnomAD 0.00001.

Submission:

Labcorp Genetics (formerly Invitae), Labcorp
Classification: Uncertain significance for Juvenile onset Parkinson disease 19A. Last evaluated: 2021-10-23. Review status: criteria provided, single submitter. Criteria: Invitae Variant Classification Sherloc (09022015). Collection method: clinical testing. Allele origin: germline.
Comment: In summary, the available evidence is currently insufficient to determine the role of this variant in disease. Therefore, it has been classified as a Variant of Uncertain Significance. Algorithms developed to predict the effect of missense changes on protein structure and function (SIFT, PolyPhen-2, Align-GVGD) all suggest that this variant is likely to be disruptive. This variant has not been reported in the literature in individuals affected with DNAJC6-related conditions. This variant is not present in population databases (ExAC no frequency). This sequence change replaces tyrosine with cysteine at codon 75 of the DNAJC6 protein (p.Tyr75Cys). The tyrosine residue is highly conserved and there is a large physicochemical difference between tyrosine and cysteine.